The following is an entry in ClinVar:

NM_015978.3(TNNI3K):c.1360T>C (p.Ser454Pro)

Genes: FPGT-TNNI3K (FPGT-TNNI3K readthrough; plus strand), TNNI3K (TNNI3 interacting kinase; plus strand). Cytogenetic location: 1p31.1.
Variant type: single nucleotide variant.
Coding change: c.1360T>C on transcript NM_015978.3 (MANE Select); coding-DNA position 1360, T replaced by C.
Protein change: p.Ser454Pro; replaces serine 454 with proline.
Molecular consequence: missense variant.
Genome position (GRCh38, 1-based): chr1:74,369,060, T>C. VCF-style: chr1-74369060-T-C. GRCh37 (hg19) VCF-style: chr1-74834744-T-C.
Other names: c.1663T>C, p.Ser555Pro (NM_001112808.3, NM_001199327.2); c.1360T>C (NM_015978.2); short protein forms S555P, S454P.
Identifiers: ClinVar variation 1970797 (VCV001970797.6), dbSNP rs1570532903, ClinGen allele CA340785782.

ClinVar aggregate classification (germline): Uncertain significance. Review status: criteria provided, multiple submitters, no conflicts (2 of 4 stars). 2 submissions from 2 submitters: Uncertain significance (2). Last evaluated 2025-05-23.

Conditions:
Inborn genetic diseases. Identifiers: MedGen C0950123, MeSH D030342.

Allele frequency attached by ClinVar (database versions not stated): gnomAD exomes below 0.00001.
gnomAD v4.1: 1 of 1,610,090 alleles (0.000062%); highest among the groups gnomAD compares: Admixed American, 0.0017%; no homozygotes.

Submissions (2):

Ambry Genetics
Classification: Uncertain significance for Inborn genetic diseases. Last evaluated: 2025-05-23. Review status: criteria provided, single submitter. Criteria: Ambry Variant Classification Scheme 2023. Collection method: clinical testing. Allele origin: germline.

Labcorp Genetics (formerly Invitae), Labcorp
Classification: Uncertain significance. Last evaluated: 2022-03-18. Review status: criteria provided, single submitter. Criteria: Invitae Variant Classification Sherloc (09022015). Collection method: clinical testing. Allele origin: germline.
Comment: This sequence change replaces serine, which is neutral and polar, with proline, which is neutral and non-polar, at codon 454 of the TNNI3K protein (p.Ser454Pro). This variant is not present in population databases (gnomAD no frequency). This variant has not been reported in the literature in individuals affected with TNNI3K-related conditions. Algorithms developed to predict the effect of missense changes on protein structure and function are either unavailable or do not agree on the potential impact of this missense change (SIFT: "Deleterious"; PolyPhen-2: "Benign"; Align-GVGD: "Class C65"). In summary, the available evidence is currently insufficient to determine the role of this variant in disease. Therefore, it has been classified as a Variant of Uncertain Significance.